The following is an entry in ClinVar:

ClinVar aggregate classification (germline): Uncertain significance (1 of 4 stars; one submission).

Submission:

Labcorp Genetics (formerly Invitae), Labcorp
Classification: Uncertain significance. Last evaluated: 2021-10-19. Review status: criteria provided, single submitter. Criteria: Invitae Variant Classification Sherloc (09022015). Collection method: clinical testing. Allele origin: germline.
Comment: In summary, the available evidence is currently insufficient to determine the role of this variant in disease. Therefore, it has been classified as a Variant of Uncertain Significance. Algorithms developed to predict the effect of missense changes on protein structure and function are either unavailable or do not agree on the potential impact of this missense change (SIFT: "Not Available"; PolyPhen-2: "Benign"; Align-GVGD: "Not Available"). This variant has not been reported in the literature in individuals affected with ADSSL1-related conditions. This variant is not present in population databases (gnomAD no frequency). This sequence change replaces glutamic acid, which is acidic and polar, with glutamine, which is neutral and polar, at codon 75 of the ADSSL1 protein (p.Glu75Gln).

NM_152328.5(ADSS1):c.193-4905G>C

Gene: ADSS1 (adenylosuccinate synthase 1; plus strand). Cytogenetic location: 14q32.33.
Variant type: single nucleotide variant.
Coding change: c.193-4905G>C on transcript NM_152328.5 (MANE Select); 4905 bases into the intron before coding-DNA position 193, G replaced by C.
Molecular consequence: intron variant. On other transcripts: 5 prime UTR variant (1), missense variant (1).
Genome position (GRCh38, 1-based): chr14:104,730,115, G>C. VCF-style: chr14-104730115-G-C. GRCh37 (hg19) VCF-style: chr14-105196452-G-C.
Other names: c.-505G>C (NM_001320424.1); c.223G>C, p.Glu75Gln (NM_199165.2); short protein forms E75Q.
Identifiers: ClinVar variation 1681890 (VCV001681890.6), dbSNP rs1250551469, ClinGen allele CA391232982.